The following is an entry in ClinVar:

NM_000530.8(MPZ):c.13G>T (p.Ala5Ser)

Gene: MPZ (myelin protein zero; minus strand). Cytogenetic location: 1q23.3.
Variant type: single nucleotide variant.
Coding change: c.13G>T on transcript NM_000530.8 (MANE Select); coding-DNA position 13, G replaced by T.
Protein change: p.Ala5Ser; replaces alanine 5 with serine.
Molecular consequence: missense variant.
Genome position (GRCh38, 1-based): chr1:161,309,893, C>A on the plus strand (G>T on the coding strand, the complement: MPZ is on the minus strand). VCF-style: chr1-161309893-C-A. GRCh37 (hg19) VCF-style: chr1-161279683-C-A.
Other names: c.13G>T, p.Ala5Ser (NM_001315491.2); short protein forms A5S.
Identifiers: ClinVar variation 2908462 (VCV002908462.3), dbSNP rs773063356, ClinGen allele CA1210258.

ClinVar aggregate classification (germline): Uncertain significance (1 of 4 stars; one submission).

Conditions:
Charcot-Marie-Tooth disease, type I (CMT1). Also called: Charcot-Marie-Tooth, Type 1; Charcot-Marie-Tooth disease type 1. Identifiers: Orphanet 65753, MedGen C0751036, MONDO:0019011.

Allele frequency attached by ClinVar (database versions not stated): TOPMed 0.00003; gnomAD exomes below 0.00001.

Submission:

Labcorp Genetics (formerly Invitae), Labcorp
Classification: Uncertain significance for Charcot-Marie-Tooth disease, type I. Last evaluated: 2025-12-24. Review status: criteria provided, single submitter. Criteria: Invitae Variant Classification Sherloc (09022015). Collection method: clinical testing. Allele origin: germline.
Comment: This sequence change replaces alanine, which is neutral and non-polar, with serine, which is neutral and polar, at codon 5 of the MPZ protein (p.Ala5Ser). The frequency data for this variant in the population databases is considered unreliable, as metrics indicate poor data quality at this position in the gnomAD database. This variant has not been reported in the literature in individuals affected with MPZ-related conditions. ClinVar contains an entry for this variant (Variation ID: 2908462). Experimental studies and prediction algorithms are not available or were not evaluated, and the functional significance of this variant is currently unknown. In summary, the available evidence is currently insufficient to determine the role of this variant in disease. Therefore, it has been classified as a Variant of Uncertain Significance.